The following is an entry in ClinVar:

ClinVar aggregate classification (germline): Uncertain significance (1 of 4 stars; one submission).

Allele frequency attached by ClinVar (database versions not stated): TOPMed below 0.00001; gnomAD exomes 0.00001.
gnomAD v4.1: 7 of 1,612,368 alleles (0.00043%); highest among the groups gnomAD compares: Middle Eastern, 0.017%; no homozygotes.

Submission:

Labcorp Genetics (formerly Invitae), Labcorp
Classification: Uncertain significance. Last evaluated: 2022-06-11. Review status: criteria provided, single submitter. Criteria: Invitae Variant Classification Sherloc (09022015). Collection method: clinical testing. Allele origin: germline.
Comment: In summary, the available evidence is currently insufficient to determine the role of this variant in disease. Therefore, it has been classified as a Variant of Uncertain Significance. Variants that disrupt the consensus splice site are a relatively common cause of aberrant splicing (PMID: 17576681, 9536098). Algorithms developed to predict the effect of sequence changes on RNA splicing suggest that this variant is not likely to affect RNA splicing. This variant has not been reported in the literature in individuals affected with GUCY2C-related conditions. This variant is present in population databases (no rsID available, gnomAD 0.007%). This sequence change falls in intron 5 of the GUCY2C gene. It does not directly change the encoded amino acid sequence of the GUCY2C protein. It affects a nucleotide within the consensus splice site.

Literature cited by the submitters: PubMed 17576681; PubMed 9536098.

NM_004963.4(GUCY2C):c.733+4A>C

Genes: GUCY2C (guanylate cyclase 2C; minus strand), GUCY2C-AS1 (GUCY2C antisense RNA 1; plus strand). Cytogenetic location: 12p12.3.
Variant type: single nucleotide variant.
Coding change: c.733+4A>C on transcript NM_004963.4 (MANE Select); 4 bases into the intron after coding-DNA position 733, A replaced by C.
Molecular consequence: intron variant.
Genome position (GRCh38, 1-based): chr12:14,681,352, T>G on the plus strand (A>C on the coding strand, the complement: GUCY2C is on the minus strand). VCF-style: chr12-14681352-T-G. GRCh37 (hg19) VCF-style: chr12-14834286-T-G.
Identifiers: ClinVar variation 2165623 (VCV002165623.4), dbSNP rs1367923539, ClinGen allele CA603511068.